The following is an entry in ClinVar:

NC_000009.12:g.35658072A>C

Gene: RMRP (RNA component of mitochondrial RNA processing endoribonuclease; minus strand). Cytogenetic location: 9p13.3.
Variant type: single nucleotide variant.
Genome position: GRCh38 VCF-style: chr9-35658072-A-C. GRCh37 (hg19) VCF-style: chr9-35658069-A-C.
Identifiers: ClinVar variation 2191859 (VCV002191859.2), dbSNP rs181777676, ClinGen allele CA192745795.

ClinVar aggregate classification (germline): Uncertain significance (1 of 4 stars; one submission).

Conditions:
Anauxetic dysplasia. Identifiers: Orphanet 93347, MedGen C1846796, MONDO:0011773.

Allele frequency attached by ClinVar (database versions not stated): 1000 Genomes Project 30x 0.00047.

Submission:

Labcorp Genetics (formerly Invitae), Labcorp
Classification: Uncertain significance for Anauxetic dysplasia. Last evaluated: 2025-12-08. Review status: criteria provided, single submitter. Criteria: Invitae Variant Classification Sherloc (09022015). Collection method: clinical testing. Allele origin: germline.
Comment: This variant occurs in the RMRP gene, which encodes an RNA molecule that does not result in a protein product. This variant is present in population databases (rs181777676, gnomAD 0.02%). This variant has not been reported in the literature in individuals affected with RMRP-related conditions. Experimental studies and prediction algorithms are not available or were not evaluated, and the functional significance of this variant is currently unknown. In summary, the available evidence is currently insufficient to determine the role of this variant in disease. Therefore, it has been classified as a Variant of Uncertain Significance.